The following is an entry in ClinVar:

NM_006059.4(LAMC3):c.3418-3C>G

Gene: LAMC3 (laminin subunit gamma 3; plus strand). Cytogenetic location: 9q34.12.
Variant type: single nucleotide variant.
Coding change: c.3418-3C>G on transcript NM_006059.4 (MANE Select); 3 bases into the intron before coding-DNA position 3418, C replaced by G.
Molecular consequence: intron variant.
Genome position (GRCh38, 1-based): chr9:131,073,242, C>G. VCF-style: chr9-131073242-C-G. GRCh37 (hg19) VCF-style: chr9-133948629-C-G.
Identifiers: ClinVar variation 4732759 (VCV004732759.1).

ClinVar aggregate classification (germline): Uncertain significance (1 of 4 stars; one submission).

Submission:

Labcorp Genetics (formerly Invitae), Labcorp
Classification: Uncertain significance. Last evaluated: 2025-12-15. Review status: criteria provided, single submitter. Criteria: Invitae Variant Classification Sherloc (09022015). Collection method: clinical testing. Allele origin: germline.
Comment: This sequence change falls in intron 19 of the LAMC3 gene. It does not directly change the encoded amino acid sequence of the LAMC3 protein. It affects a nucleotide within the consensus splice site. This variant is not present in population databases (gnomAD no frequency). This variant has not been reported in the literature in individuals affected with LAMC3-related conditions. Variants that disrupt the consensus splice site are a relatively common cause of aberrant splicing (PMID: 17576681, 9536098). Algorithms developed to predict the effect of sequence changes on RNA splicing suggest that this variant may disrupt the consensus splice site. In summary, the available evidence is currently insufficient to determine the role of this variant in disease. Therefore, it has been classified as a Variant of Uncertain Significance.

Literature cited by the submitters: PubMed 17576681; PubMed 9536098.